The following is an entry in ClinVar:

NM_001127198.5(TMC6):c.947A>T (p.Asn316Ile)

Gene: TMC6 (transmembrane channel like 6; minus strand). Cytogenetic location: 17q25.3.
Variant type: single nucleotide variant.
Coding change: c.947A>T on transcript NM_001127198.5 (MANE Select); coding-DNA position 947, A replaced by T.
Protein change: p.Asn316Ile; replaces asparagine 316 with isoleucine.
Molecular consequence: missense variant.
Genome position (GRCh38, 1-based): chr17:78,124,124, T>A on the plus strand (A>T on the coding strand, the complement: TMC6 is on the minus strand). VCF-style: chr17-78124124-T-A. GRCh37 (hg19) VCF-style: chr17-76120205-T-A.
Other names: c.947A>T, p.Asn316Ile (NM_001321185.1, NM_001374593.1, NM_001374594.1 and 4 more transcripts); short protein forms N316I.
Identifiers: ClinVar variation 950196 (VCV000950196.8), dbSNP rs746517168, ClinGen allele CA8795926.

ClinVar aggregate classification (germline): Uncertain significance (1 of 4 stars; one submission).

Conditions:
Epidermodysplasia verruciformis. Identifiers: Orphanet 302, MedGen C0014522, MONDO:0009176.

Allele frequency attached by ClinVar (database versions not stated): gnomAD exomes below 0.00001 and 0.00001; ExAC 0.00001.
gnomAD v4.1: 1 of 1,612,900 alleles (0.000062%); highest among the groups gnomAD compares: Non-Finnish European, 0.000085%; no homozygotes.

Submission:

Labcorp Genetics (formerly Invitae), Labcorp
Classification: Uncertain significance for Epidermodysplasia verruciformis. Last evaluated: 2019-05-06. Review status: criteria provided, single submitter. Criteria: Invitae Variant Classification Sherloc (09022015). Collection method: clinical testing. Allele origin: germline.
Comment: This sequence change replaces asparagine with isoleucine at codon 316 of the TMC6 protein (p.Asn316Ile). The asparagine residue is weakly conserved and there is a large physicochemical difference between asparagine and isoleucine. The frequency data for this variant in the population databases is considered unreliable, as metrics indicate poor data quality at this position in the ExAC database. In summary, the available evidence is currently insufficient to determine the role of this variant in disease. Therefore, it has been classified as a Variant of Uncertain Significance. Algorithms developed to predict the effect of missense changes on protein structure and function are either unavailable or do not agree on the potential impact of this missense change (SIFT: "Tolerated"; PolyPhen-2: "Possibly Damaging"; Align-GVGD: "Class C0"). This variant has not been reported in the literature in individuals with TMC6-related conditions.